The following is an entry in ClinVar:

ClinVar aggregate classification (germline): Conflicting classifications of pathogenicity. Review status: criteria provided, conflicting classifications (1 of 4 stars). 3 submissions from 3 submitters: Uncertain significance (2); Likely benign (1). Last evaluated 2026-05-29.

Conditions:
Hereditary cancer-predisposing syndrome. Also called: Hereditary Cancer Syndrome; Neoplastic Syndromes, Hereditary; Tumor predisposition; Hereditary neoplastic syndrome. Identifiers: Orphanet 140162, MedGen C0027672, MeSH D009386, MONDO:0015356.
Hereditary breast ovarian cancer syndrome. Also called: Hereditary breast and ovarian cancer syndrome (HBOC); Hereditary breast and/or ovarian cancer syndrome; BRCA1- and BRCA2-Associated Hereditary Breast and Ovarian Cancer; Hereditary breast and ovarian cancer; Breast and ovarian cancer; Hereditary breast and ovarian cancer syndrome. Identifiers: Orphanet 145, MedGen C0677776, MeSH D061325, MONDO:0003582. Disease mechanism: loss of function.

Allele frequency attached by ClinVar (database versions not stated): gnomAD exomes below 0.00001.

Submissions (3):

Ambry Genetics
Classification: Uncertain significance for Hereditary cancer-predisposing syndrome. Last evaluated: 2026-05-29. Review status: criteria provided, single submitter. Criteria: Ambry Variant Classification Scheme 2023. Collection method: clinical testing. Allele origin: germline.
Comment: The p.N555D variant (also known as c.1663A>G), located in coding exon 9 of the BRCA1 gene, results from an A to G substitution at nucleotide position 1663. The asparagine at codon 555 is replaced by aspartic acid, an amino acid with highly similar properties. This amino acid position is not well conserved in available vertebrate species. In addition, the in silico prediction for this alteration is inconclusive. Based on the available evidence, the clinical significance of this variant remains unclear.

University of Washington Department of Laboratory Medicine, University of Washington
Classification: Likely benign for Hereditary cancer-predisposing syndrome. Last evaluated: 2023-03-23. Review status: criteria provided, single submitter. Criteria: Dines et al. (Genet Med. 2020). Collection method: curation. Allele origin: germline.
Comment: Missense variant in a coldspot region where missense variants are very unlikely to be pathogenic (PMID:31911673).

BRCA1 coldspot (exon 11 using historical exon numbering). Reclassification based on statistical prior probability

Labcorp Genetics (formerly Invitae), Labcorp
Classification: Uncertain significance for Hereditary breast ovarian cancer syndrome. Last evaluated: 2019-06-25. Review status: criteria provided, single submitter. Criteria: Invitae Variant Classification Sherloc (09022015). Collection method: clinical testing. Allele origin: germline.
Comment: This sequence change replaces asparagine with aspartic acid at codon 555 of the BRCA1 protein (p.Asn555Asp). The asparagine residue is moderately conserved and there is a small physicochemical difference between asparagine and aspartic acid. In summary, the available evidence is currently insufficient to determine the role of this variant in disease. Therefore, it has been classified as a Variant of Uncertain Significance. Algorithms developed to predict the effect of missense changes on protein structure and function output the following: SIFT: "Tolerated"; PolyPhen-2: "Benign"; Align-GVGD: "Class C0". The aspartic acid amino acid residue is found in multiple mammalian species, suggesting that this missense change does not adversely affect protein function. These predictions have not been confirmed by published functional studies and their clinical significance is uncertain. This variant has not been reported in the literature in individuals with BRCA1-related conditions. This variant is not present in population databases (ExAC no frequency).

NM_007294.4(BRCA1):c.1663A>G (p.Asn555Asp)

Gene: BRCA1 (BRCA1 DNA repair associated; minus strand). Cytogenetic location: 17q21.31.
Variant type: single nucleotide variant.
Coding change: c.1663A>G on transcript NM_007294.4 (MANE Select); coding-DNA position 1663, A replaced by G.
Protein change: p.Asn555Asp; replaces asparagine 555 with aspartic acid.
Molecular consequence: missense variant. On other transcripts: intron variant (137).
Genome position (GRCh38, 1-based): chr17:43,093,868, T>C on the plus strand (A>G on the coding strand, the complement: BRCA1 is on the minus strand). VCF-style: chr17-43093868-T-C. GRCh37 (hg19) VCF-style: chr17-41245885-T-C.
Other names: c.1663A>G, p.Asn555Asp (NM_001407594.1, NM_001407596.1, NM_001407597.1 and 30 more transcripts); c.1660A>G, p.Asn554Asp (NM_001407610.1, NM_001407611.1, NM_001407612.1 and 22 more transcripts); c.1654A>G, p.Asn552Asp (NM_001407646.1, NM_001407647.1); c.1540A>G, p.Asn514Asp (NM_001407648.1, NM_001407664.1, NM_001407665.1 and 19 more transcripts); c.1537A>G, p.Asn513Asp (NM_001407649.1, NM_001407670.1, NM_001407671.1 and 11 more transcripts); c.1585A>G, p.Asn529Asp (NM_001407653.1, NM_001407663.1, NM_001407654.1 and 4 more transcripts); c.1522A>G, p.Asn508Asp (NM_001407727.1, NM_001407728.1, NM_001407729.1 and 29 more transcripts); c.1519A>G, p.Asn507Asp (NM_001407746.1, NM_001407747.1, NM_001407748.1 and 20 more transcripts); and 40 more; short protein forms N508D, N555D, N259D, N387D, N444D, N466D, N552D, N514D.
Identifiers: ClinVar variation 945062 (VCV000945062.14), dbSNP rs2053904001, ClinGen allele CA10598709.